The following is an entry in ClinVar:

ClinVar aggregate classification (germline): Uncertain significance. Review status: criteria provided, multiple submitters, no conflicts (2 of 4 stars). 4 submissions from 4 submitters: Uncertain significance (4). Last evaluated 2026-06-10.

Conditions:
IFIH1-related type 1 interferonopathy. Identifiers: MedGen CN377548, MONDO:0700262.
IFIH1-related disorder. Also called: IFIH1-related condition.
Singleton-Merten syndrome 1 (SGMRT1). Also called: Widened medullary cavities of bone, aortic calcification, abnormal dentition, and muscular weakness; Syndrome of widened medullary cavities of the metacarpals and phalanges, aortic calcification and abnormal dentition. Identifiers: Orphanet 85191, MedGen C4225427, MONDO:0024535, OMIM 182250.
Aicardi-Goutieres syndrome 7 (AGS7). Identifiers: Orphanet 51, MedGen C3888244, MONDO:0014367, OMIM 615846.

Allele frequency attached by ClinVar (database versions not stated): ExAC 0.00001; gnomAD exomes 0.00003; TOPMed 0.00006; ESP Exome Variant Server 0.00008; gnomAD 0.00008 and 0.00009.
gnomAD v4.1: 78 of 1,610,966 alleles (0.0048%); highest among the groups gnomAD compares: Non-Finnish European, 0.0062%; no homozygotes.

Submissions (4):

PreventionGenetics, part of Exact Sciences
Classification: Uncertain significance for IFIH1-related condition. Last evaluated: 2026-06-10. Review status: criteria provided, single submitter. Criteria: ACMG Guidelines, 2015. Collection method: clinical testing. Allele origin: germline.
Comment: The IFIH1 c.454-1G>T variant is predicted to disrupt the AG splice acceptor site and interfere with normal splicing. To our knowledge, this variant has not been reported in the literature. This variant is reported in 0.0070% of alleles in individuals of European (Non-Finnish) descent in gnomAD. At this time, the clinical significance of this variant is uncertain due to the absence of conclusive functional and genetic evidence.

Labcorp Genetics (formerly Invitae), Labcorp
Classification: Uncertain significance for Aicardi-Goutieres syndrome 7; Singleton-Merten syndrome 1. Last evaluated: 2025-03-26. Review status: criteria provided, single submitter. Criteria: Invitae Variant Classification Sherloc (09022015). Collection method: clinical testing. Allele origin: germline.
Comment: This sequence change affects an acceptor splice site in intron 1 of the IFIH1 gene. It is expected to disrupt RNA splicing. Variants that disrupt the donor or acceptor splice site typically lead to a loss of protein function (PMID: 16199547), however the current clinical and genetic evidence is not sufficient to establish whether loss-of-function variants in IFIH1 cause disease. This variant is present in population databases (rs148590996, gnomAD 0.007%). This variant has not been reported in the literature in individuals affected with IFIH1-related conditions. ClinVar contains an entry for this variant (Variation ID: 547992). Algorithms developed to predict the effect of sequence changes on RNA splicing suggest that this variant may disrupt the consensus splice site. In summary, the available evidence is currently insufficient to determine the role of this variant in disease. Therefore, it has been classified as a Variant of Uncertain Significance.

Department of Pathology and Laboratory Medicine, Sinai Health System
Classification: Uncertain significance for IFIH1-related type 1 interferonopathy. Last evaluated: 2022-09-16. Review status: criteria provided, single submitter. Criteria: ACMG Guidelines, 2015. Collection method: research. Allele origin: germline.

Mayo Clinic Laboratories, Mayo Clinic
Classification: Uncertain significance for Aicardi-Goutieres syndrome 7; Singleton-Merten syndrome 1. Last evaluated: 2017-09-13. Review status: criteria provided, single submitter. Criteria: ACMG Guidelines, 2015. Collection method: clinical testing. Allele origin: paternal.

Literature cited by the submitters: PubMed 16199547 (cited by Labcorp Genetics (formerly Invitae), Labcorp).

NM_022168.4(IFIH1):c.454-1G>T

Gene: IFIH1 (interferon induced with helicase C domain 1; minus strand). Cytogenetic location: 2q24.2.
Variant type: single nucleotide variant.
Coding change: c.454-1G>T on transcript NM_022168.4 (MANE Select); the canonical splice acceptor site of the intron before coding-DNA position 454, G replaced by T.
Molecular consequence: splice acceptor variant.
Genome position (GRCh38, 1-based): chr2:162,310,934, C>A on the plus strand (G>T on the coding strand, the complement: IFIH1 is on the minus strand). VCF-style: chr2-162310934-C-A. GRCh37 (hg19) VCF-style: chr2-163167444-C-A.
Identifiers: ClinVar variation 547992 (VCV000547992.12), dbSNP rs148590996, ClinGen allele CA1934800.